The following is an entry in ClinVar:

ClinVar aggregate classification (germline): Uncertain significance (1 of 4 stars; one submission).

Submission:

GeneDx
Classification: Uncertain significance. Last evaluated: 2026-08-13. Review status: criteria provided, single submitter. Criteria: GeneDx Variant Classification Process June 2021. Collection method: clinical testing. Allele origin: germline.
Comment: Not observed at significant frequency in large population cohorts (gnomAD); In silico analysis supports that this missense variant does not alter protein structure/function; Has not been previously published as pathogenic or benign to our knowledge

NM_001378120.1(MBD5):c.1281G>T (p.Gln427His)

Gene: MBD5 (methyl-CpG binding domain protein 5; plus strand). Cytogenetic location: 2q23.1.
Variant type: single nucleotide variant.
Coding change: c.1281G>T on transcript NM_001378120.1 (MANE Select); coding-DNA position 1281, G replaced by T.
Protein change: p.Gln427His; replaces glutamine 427 with histidine.
Molecular consequence: missense variant.
Genome position (GRCh38, 1-based): chr2:148,469,224, G>T. VCF-style: chr2-148469224-G-T. GRCh37 (hg19) VCF-style: chr2-149226793-G-T.
Other names: c.1281G>T, p.Gln427His (NM_018328.5); short protein forms Q427H.
Identifiers: ClinVar variation 2580788 (VCV002580788.2), dbSNP rs2469863409, ClinGen allele CA348719366.